The following is an entry in ClinVar:

NM_139076.3(ABRAXAS1):c.193A>G (p.Ile65Val)

Gene: ABRAXAS1 (abraxas 1, BRCA1 A complex subunit; minus strand). Cytogenetic location: 4q21.23.
Variant type: single nucleotide variant.
Coding change: c.193A>G on transcript NM_139076.3 (MANE Select); coding-DNA position 193, A replaced by G.
Protein change: p.Ile65Val; replaces isoleucine 65 with valine.
Molecular consequence: missense variant. On other transcripts: 5 prime UTR variant (1).
Genome position (GRCh38, 1-based): chr4:83,476,665, T>C on the plus strand (A>G on the coding strand, the complement: ABRAXAS1 is on the minus strand). VCF-style: chr4-83476665-T-C. GRCh37 (hg19) VCF-style: chr4-84397818-T-C.
Other names: c.-68A>G (NM_001345962.2); short protein forms I65V.
Identifiers: ClinVar variation 1800332 (VCV001800332.2), dbSNP rs1200375953, ClinGen allele CA357261561.

ClinVar aggregate classification (germline): Uncertain significance (1 of 4 stars; one submission).

Allele frequency attached by ClinVar (database versions not stated): gnomAD exomes below 0.00001; TOPMed below 0.00001; gnomAD 0.00001.
gnomAD v4.1: 7 of 1,567,820 alleles (0.00045%); highest among the groups gnomAD compares: Non-Finnish European, 0.00053%; no homozygotes.

Submission:

Ambry Genetics
Classification: Uncertain significance. Last evaluated: 2023-07-18. Review status: criteria provided, single submitter. Criteria: Ambry Variant Classification Scheme 2023. Collection method: clinical testing. Allele origin: germline.
Comment: The p.I65V variant (also known as c.193A>G), located in coding exon 3 of the FAM175A gene, results from an A to G substitution at nucleotide position 193. The isoleucine at codon 65 is replaced by valine, an amino acid with highly similar properties. This amino acid position is conserved. In addition, this alteration is predicted to be tolerated by in silico analysis. Since supporting evidence is limited at this time, the clinical significance of this alteration remains unclear.